The following is an entry in ClinVar:

ClinVar aggregate classification (germline): Uncertain significance (1 of 4 stars; one submission).

Submission:

Labcorp Genetics (formerly Invitae), Labcorp
Classification: Uncertain significance. Last evaluated: 2023-08-17. Review status: criteria provided, single submitter. Criteria: Invitae Variant Classification Sherloc (09022015). Collection method: clinical testing. Allele origin: germline.
Comment: This sequence change replaces phenylalanine, which is neutral and non-polar, with leucine, which is neutral and non-polar, at codon 145 of the PPP3CA protein (p.Phe145Leu). This variant is not present in population databases (gnomAD no frequency). This variant has not been reported in the literature in individuals affected with PPP3CA-related conditions. ClinVar contains an entry for this variant (Variation ID: 2097115). Advanced modeling of protein sequence and biophysical properties (such as structural, functional, and spatial information, amino acid conservation, physicochemical variation, residue mobility, and thermodynamic stability) performed at Invitae indicates that this missense variant is not expected to disrupt PPP3CA protein function. In summary, the available evidence is currently insufficient to determine the role of this variant in disease. Therefore, it has been classified as a Variant of Uncertain Significance.

NM_000944.5(PPP3CA):c.433T>C (p.Phe145Leu)

Gene: PPP3CA (protein phosphatase 3 catalytic subunit alpha; minus strand). Cytogenetic location: 4q24.
Variant type: single nucleotide variant.
Coding change: c.433T>C on transcript NM_000944.5 (MANE Select); coding-DNA position 433, T replaced by C.
Protein change: p.Phe145Leu; replaces phenylalanine 145 with leucine.
Molecular consequence: missense variant.
Genome position (GRCh38, 1-based): chr4:101,099,674, A>G on the plus strand (T>C on the coding strand, the complement: PPP3CA is on the minus strand). VCF-style: chr4-101099674-A-G. GRCh37 (hg19) VCF-style: chr4-102020831-A-G.
Other names: c.433T>C, p.Phe145Leu (NM_001130691.2, NM_001130692.2); short protein forms F145L.
Identifiers: ClinVar variation 2097115 (VCV002097115.4), dbSNP rs2475928281, ClinGen allele CA357950277.